The following is an entry in ClinVar:

NM_024408.4(NOTCH2):c.1682G>C (p.Gly561Ala)

Gene: NOTCH2 (notch receptor 2; minus strand). Cytogenetic location: 1p12.
Variant type: single nucleotide variant.
Coding change: c.1682G>C on transcript NM_024408.4 (MANE Select); coding-DNA position 1682, G replaced by C.
Protein change: p.Gly561Ala; replaces glycine 561 with alanine.
Molecular consequence: missense variant.
Genome position (GRCh38, 1-based): chr1:119,963,807, C>G on the plus strand (G>C on the coding strand, the complement: NOTCH2 is on the minus strand). VCF-style: chr1-119963807-C-G. GRCh37 (hg19) VCF-style: chr1-120506430-C-G.
Other names: c.1682G>C, p.Gly561Ala (NM_001200001.2); short protein forms G561A.
Identifiers: ClinVar variation 4728419 (VCV004728419.1).

ClinVar aggregate classification (germline): Uncertain significance (1 of 4 stars; one submission).

Conditions:
Hajdu-Cheney syndrome (HJCYS). Also called: ACROOSTEOLYSIS WITH OSTEOPOROSIS AND CHANGES IN SKULL AND MANDIBLE; SERPENTINE FIBULA-POLYCYSTIC KIDNEY SYNDROME; Acroosteolysis dominant type. Identifiers: Orphanet 955, MedGen C0917715, MONDO:0007057, OMIM 102500.

Submission:

Labcorp Genetics (formerly Invitae), Labcorp
Classification: Uncertain significance for Hajdu-Cheney syndrome. Last evaluated: 2025-10-06. Review status: criteria provided, single submitter. Criteria: Invitae Variant Classification Sherloc (09022015). Collection method: clinical testing. Allele origin: germline.
Comment: This sequence change replaces glycine, which is neutral and non-polar, with alanine, which is neutral and non-polar, at codon 561 of the NOTCH2 protein (p.Gly561Ala). This variant is not present in population databases (gnomAD no frequency). This variant has not been reported in the literature in individuals affected with NOTCH2-related conditions. An algorithm developed to predict the effect of missense changes on protein structure and function (PolyPhen-2) suggests that this variant is likely to be disruptive. Algorithms developed to predict the effect of sequence changes on RNA splicing suggest that this variant may disrupt the consensus splice site. In summary, the available evidence is currently insufficient to determine the role of this variant in disease. Therefore, it has been classified as a Variant of Uncertain Significance.